The following is an entry in ClinVar:

NM_022124.6(CDH23):c.5100C>T (p.Tyr1700=)

Gene: CDH23 (cadherin related 23; plus strand). Cytogenetic location: 10q22.1.
Variant type: single nucleotide variant.
Coding change: c.5100C>T on transcript NM_022124.6 (MANE Select); coding-DNA position 5100, C replaced by T.
Protein change: p.Tyr1700=; no amino-acid change (tyrosine 1700 retained).
Molecular consequence: synonymous variant.
Genome position (GRCh38, 1-based): chr10:71,778,221, C>T. VCF-style: chr10-71778221-C-T. GRCh37 (hg19) VCF-style: chr10-73537978-C-T.
Other names: p.Y1700Y:TAC>TAT; p.Tyr1700=.
Identifiers: ClinVar variation 45965 (VCV000045965.27), dbSNP rs10762480, ClinGen allele CA137462.

ClinVar aggregate classification (germline): Benign. Review status: criteria provided, multiple submitters, no conflicts (2 of 4 stars). 13 submissions from 11 submitters: Benign (12). 1 of the submissions does not count toward it. Last evaluated 2026-02-04.

Conditions:
Usher syndrome type 1 (USH1). Also called: RETINITIS PIGMENTOSA AND CONGENITAL DEAFNESS. Identifiers: Orphanet 231169, Orphanet 886, MedGen C1568247, MONDO:0010168, OMIM 276900.
Autosomal recessive nonsyndromic hearing loss 12. Also called: DEAFNESS, AUTOSOMAL RECESSIVE 12. Identifiers: Orphanet 90636, MedGen C1832394, MONDO:0011067, OMIM 601386.
Usher syndrome type 1D (USH1D). Also called: USHER SYNDROME, TYPE ID. Identifiers: Orphanet 231169, Orphanet 886, MedGen C1832845, MONDO:0010984, OMIM 601067.

Allele frequency attached by ClinVar (database versions not stated): TOPMed 0.18824; gnomAD 0.19650 and 0.19882; gnomAD exomes 0.20276 and 0.18678; 1000 Genomes Project 0.17931; 1000 Genomes Project 30x 0.18098; ExAC 0.18803; ESP Exome Variant Server 0.19242.
gnomAD v4.1: 325,638 of 1,613,522 alleles (20%); highest among the groups gnomAD compares: East Asian, 22%; 33,605 homozygotes.

Submissions (13):

Labcorp Genetics (formerly Invitae), Labcorp
Classification: Benign. Last evaluated: 2026-02-04. Review status: criteria provided, single submitter. Criteria: Invitae Variant Classification Sherloc (09022015). Collection method: clinical testing. Allele origin: germline.

Women's Health and Genetics/Laboratory Corporation of America, LabCorp
Classification: Benign. Last evaluated: 2025-11-14. Review status: criteria provided, single submitter. Criteria: LabCorp Variant Classification Summary - May 2015. Collection method: clinical testing. Allele origin: germline.

Genome-Nilou Lab
Classification: Benign for Usher syndrome type 1D. Last evaluated: 2021-07-01. Review status: criteria provided, single submitter. Criteria: ACMG Guidelines, 2015. Collection method: clinical testing. Allele origin: germline. Affected: no.

Genome-Nilou Lab
Classification: Benign for Autosomal recessive nonsyndromic hearing loss 12. Last evaluated: 2021-07-01. Review status: criteria provided, single submitter. Criteria: ACMG Guidelines, 2015. Collection method: clinical testing. Allele origin: germline. Affected: no.

Mayo Clinic Laboratories, Mayo Clinic
Classification: Benign. Last evaluated: 2020-10-01. Review status: criteria provided, single submitter. Criteria: ACMG Guidelines, 2015. Collection method: clinical testing. Allele origin: germline. Observed: 54 variant alleles.

Illumina Laboratory Services, Illumina
Classification: Benign for Autosomal recessive nonsyndromic hearing loss 12. Last evaluated: 2018-01-13. Review status: criteria provided, single submitter. Criteria: ICSL Variant Classification Criteria 13 December 2019. Collection method: clinical testing. Allele origin: germline.
Comment: This variant was observed in the ICSL laboratory as part of a predisposition screen in an ostensibly healthy population. It had not been previously curated by ICSL or reported in the Human Gene Mutation Database (HGMD: prior to June 1st, 2018), and was therefore a candidate for classification through an automated scoring system. Utilizing variant allele frequency, disease prevalence and penetrance estimates, and inheritance mode, an automated score was calculated to assess if this variant is too frequent to cause the disease. Based on the score and internal cut-off values, a variant classified as benign is not then subjected to further curation. The score for this variant resulted in a classification of benign for this disease.

Illumina Laboratory Services, Illumina
Classification: Benign for Usher syndrome type 1D. Last evaluated: 2018-01-13. Review status: criteria provided, single submitter. Criteria: ICSL Variant Classification Criteria 13 December 2019. Collection method: clinical testing. Allele origin: germline.
Comment: the same text as in the submission from Illumina Laboratory Services, Illumina above.

Eurofins Ntd Llc (ga)
Classification: Benign. Last evaluated: 2014-07-08. Review status: criteria provided, single submitter. Criteria: EGL Classification Definitions 2015. Collection method: clinical testing. Allele origin: germline. Observed: 1 variant allele, 1 heterozygote.

GeneDx
Classification: Benign. Last evaluated: 2013-01-07. Review status: criteria provided, single submitter. Criteria: GeneDx Variant Classification (06012015). Collection method: clinical testing. Allele origin: germline. Affected: yes.
Comment: This variant is considered likely benign or benign based on one or more of the following criteria: it is a conservative change, it occurs at a poorly conserved position in the protein, it is predicted to be benign by multiple in silico algorithms, and/or has population frequency not consistent with disease.

Laboratory for Molecular Medicine, Mass General Brigham Personalized Medicine
Classification: Benign. Last evaluated: 2009-06-12. Review status: criteria provided, single submitter. Criteria: LMM Criteria. Collection method: clinical testing. Allele origin: germline. Observed: 747 variant alleles.

Breakthrough Genomics
Classification: Benign. Review status: criteria provided, single submitter. Criteria: ACMG Guidelines, 2015. Collection method: not provided. Allele origin: germline. Inheritance: Autosomal recessive inheritance. Affected: yes.

PreventionGenetics, part of Exact Sciences
Classification: Benign. Review status: criteria provided, single submitter. Criteria: ACMG Guidelines, 2015. Collection method: clinical testing. Allele origin: germline.

Natera, Inc.
Classification: Benign for Usher syndrome type 1. Last evaluated: 2020-09-16. Review status: no assertion criteria provided. Collection method: clinical testing. Allele origin: germline. Not counted in ClinVar's aggregate classification.